The following is an entry in ClinVar:

NM_014629.4(ARHGEF10):c.2456T>C (p.Val819Ala)

Gene: ARHGEF10 (Rho guanine nucleotide exchange factor 10; plus strand). Cytogenetic location: 8p23.3.
Variant type: single nucleotide variant.
Coding change: c.2456T>C on transcript NM_014629.4 (MANE Select); coding-DNA position 2456, T replaced by C.
Protein change: p.Val819Ala; replaces valine 819 with alanine.
Molecular consequence: missense variant.
Genome position (GRCh38, 1-based): chr8:1,923,842, T>C. VCF-style: chr8-1923842-T-C. GRCh37 (hg19) VCF-style: chr8-1872008-T-C.
Other names: c.2342T>C, p.Val781Ala (NM_001308152.2); c.2456T>C, p.Val819Ala (NM_001308153.3); short protein forms V781A, V843A, V819A.
Identifiers: ClinVar variation 2464731 (VCV002464731.4), dbSNP rs200515878, ClinGen allele CA4600879.

ClinVar aggregate classification (germline): Uncertain significance. Review status: criteria provided, multiple submitters, no conflicts (2 of 4 stars). 2 submissions from 2 submitters: Uncertain significance (2). Last evaluated 2024-12-13.

Allele frequency attached by ClinVar (database versions not stated): TOPMed 0.00006; ExAC 0.00009; gnomAD 0.00009; gnomAD exomes 0.00009; 1000 Genomes Project 30x 0.00016; 1000 Genomes Project 0.00020.
gnomAD v4.1: 150 of 1,614,102 alleles (0.0093%); highest among the groups gnomAD compares: Non-Finnish European, 0.012%; no homozygotes.

Submissions (2):

Labcorp Genetics (formerly Invitae), Labcorp
Classification: Uncertain significance. Last evaluated: 2024-12-13. Review status: criteria provided, single submitter. Criteria: Invitae Variant Classification Sherloc (09022015). Collection method: clinical testing. Allele origin: germline.
Comment: This sequence change replaces valine, which is neutral and non-polar, with alanine, which is neutral and non-polar, at codon 819 of the ARHGEF10 protein (p.Val819Ala). This variant is present in population databases (rs200515878, gnomAD 0.02%). This variant has not been reported in the literature in individuals affected with ARHGEF10-related conditions. ClinVar contains an entry for this variant (Variation ID: 2464731). Invitae Evidence Modeling of protein sequence and biophysical properties (such as structural, functional, and spatial information, amino acid conservation, physicochemical variation, residue mobility, and thermodynamic stability) has been performed for this missense variant. However, the output from this modeling did not meet the statistical confidence thresholds required to predict the impact of this variant on ARHGEF10 protein function. In summary, the available evidence is currently insufficient to determine the role of this variant in disease. Therefore, it has been classified as a Variant of Uncertain Significance.

Ambry Genetics
Classification: Uncertain significance. Last evaluated: 2023-02-22. Review status: criteria provided, single submitter. Criteria: Ambry Variant Classification Scheme 2023. Collection method: clinical testing. Allele origin: germline.